The following is an entry in ClinVar:

ClinVar aggregate classification (germline): Uncertain significance. Review status: criteria provided, multiple submitters, no conflicts (2 of 4 stars). 2 submissions from 2 submitters: Uncertain significance (2). Last evaluated 2022-01-16.

Conditions:
Hereditary cancer-predisposing syndrome. Also called: Hereditary Cancer Syndrome; Hereditary neoplastic syndrome; Neoplastic Syndromes, Hereditary; Tumor predisposition. Identifiers: Orphanet 140162, MedGen C0027672, MeSH D009386, MONDO:0015356.
Cardiovascular phenotype. Identifiers: MedGen CN230736.

Submissions (2):

Ambry Genetics
Classification: Uncertain significance for Cardiovascular phenotype; Hereditary cancer-predisposing syndrome. Last evaluated: 2022-01-16. Review status: criteria provided, single submitter. Criteria: Ambry Variant Classification Scheme 2023. Collection method: clinical testing. Allele origin: germline.
Comment: The p.S139T variant (also known as c.415T>A), located in coding exon 4 of the NF1 gene, results from a T to A substitution at nucleotide position 415. The serine at codon 139 is replaced by threonine, an amino acid with similar properties. This amino acid position is conserved. In addition, the in silico prediction for this alteration is inconclusive. Since supporting evidence is limited at this time, the clinical significance of this alteration remains unclear.

Sema4
Classification: Uncertain significance for Hereditary cancer-predisposing syndrome. Last evaluated: 2021-07-15. Review status: criteria provided, single submitter. Criteria: Sema4 Curation Guidelines. Collection method: curation. Allele origin: germline.
Comment: The NF1 c.415T>A (p.S139T) variant has not been reported in literature to our knowledge. This variant was not observed in the large and broad cohorts of the Genome Aggregation Database (PMID: 32461654). This variant has not been reported in ClinVar. Functional studies have not been performed, and in silico predictions of the variant's effect on protein function are inconclusive. The overall evidence is insufficient to meet ACMG/AMP criteria for classifying it as benign or pathogenic. In summary, the clinical significance of this variant is currently uncertain.

NM_001042492.3(NF1):c.415T>A (p.Ser139Thr)

Gene: NF1 (neurofibromin 1; plus strand). Cytogenetic location: 17q11.2.
Variant type: single nucleotide variant.
Coding change: c.415T>A on transcript NM_001042492.3 (MANE Select); coding-DNA position 415, T replaced by A.
Protein change: p.Ser139Thr; replaces serine 139 with threonine.
Molecular consequence: missense variant.
Genome position (GRCh38, 1-based): chr17:31,163,312, T>A. VCF-style: chr17-31163312-T-A. GRCh37 (hg19) VCF-style: chr17-29490330-T-A.
Other names: c.415T>A, p.Ser139Thr (NM_000267.4, NM_001128147.3); short protein forms S139T.
Identifiers: ClinVar variation 1692334 (VCV001692334.3), dbSNP rs1555606096, ClinGen allele CA398981899.